The following is an entry in ClinVar:

ClinVar aggregate classification (germline): Conflicting classifications of pathogenicity. Review status: criteria provided, conflicting classifications (1 of 4 stars). 2 submissions from 2 submitters: Uncertain significance (1); Likely benign (1). Last evaluated 2025-08-13.

gnomAD v4.1: 21 of 1,613,958 alleles (0.0013%); highest among the groups gnomAD compares: South Asian, 0.0077%; no homozygotes.

Submissions (2):

Ambry Genetics
Classification: Uncertain significance. Last evaluated: 2025-08-13. Review status: criteria provided, single submitter. Criteria: Ambry Variant Classification Scheme 2023. Collection method: clinical testing. Allele origin: germline.

CeGaT Center for Human Genetics Tuebingen
Classification: Likely benign. Last evaluated: 2025-07-01. Review status: criteria provided, single submitter. Criteria: CeGaT Center For Human Genetics Tuebingen Variant Classification Criteria Version 2. Collection method: clinical testing. Allele origin: germline. Affected: yes. Observed: 1 variant allele.
Comment: TRIM71: BP4, BS2

NM_001039111.3(TRIM71):c.2542G>A (p.Ala848Thr)

Gene: TRIM71 (tripartite motif containing 71; plus strand). Cytogenetic location: 3p22.3.
Variant type: single nucleotide variant.
Coding change: c.2542G>A on transcript NM_001039111.3 (MANE Select); coding-DNA position 2542, G replaced by A.
Protein change: p.Ala848Thr; replaces alanine 848 with threonine.
Molecular consequence: missense variant.
Genome position (GRCh38, 1-based): chr3:32,891,746, G>A. VCF-style: chr3-32891746-G-A. GRCh37 (hg19) VCF-style: chr3-32933238-G-A.
Other names: c.2542G>A (NM_001039111.1); short protein forms A848T.
Identifiers: ClinVar variation 4083835 (VCV004083835.9).
Genomic context (GRCh38, chr3:32,891,746, plus strand): 5'-CTGTGCAAGTTTGGTGCTCAAGGCAGCGGCTTTGGGCAGATGGACCGCCCTTCCGGCATC[G>A]CCATCACCCCCGACGGAATGATCGTTGTGGTGGACTTTGGCAACAATCGAATCCTCGTCT-3'
Protein context (NP_001034200.1, residues 838-858): FGQMDRPSGI[Ala848Thr]ITPDGMIVVV